The following is an entry in ClinVar:

NM_005523.6(HOXA11):c.714C>A (p.Gly238=)

Gene: HOXA11 (homeobox A11; minus strand). Cytogenetic location: 7p15.2.
Variant type: single nucleotide variant.
Coding change: c.714C>A on transcript NM_005523.6 (MANE Select); coding-DNA position 714, C replaced by A.
Protein change: p.Gly238=; no amino-acid change (glycine 238 retained).
Molecular consequence: synonymous variant.
Genome position (GRCh38, 1-based): chr7:27,183,024, G>T on the plus strand (C>A on the coding strand, the complement: HOXA11 is on the minus strand). VCF-style: chr7-27183024-G-T. GRCh37 (hg19) VCF-style: chr7-27222643-G-T.
Identifiers: ClinVar variation 3048034 (VCV003048034.2), dbSNP rs377202514, ClinGen allele CA4198342.

ClinVar aggregate classification (germline): Likely benign (0 of 4 stars; one submission).

Conditions:
HOXA11-related disorder. Also called: HOXA11-related condition.

Allele frequency attached by ClinVar (database versions not stated): gnomAD exomes 0.00002; ExAC 0.00004; gnomAD 0.00005; TOPMed 0.00005; ESP Exome Variant Server 0.00008.

Submission:

PreventionGenetics, part of Exact Sciences
Classification: Likely benign for HOXA11-related condition. Last evaluated: 2021-03-12. Review status: no assertion criteria provided. Collection method: clinical testing. Allele origin: germline.
Comment: This variant is classified as likely benign based on ACMG/AMP sequence variant interpretation guidelines (Richards et al. 2015 PMID: 25741868, with internal and published modifications).